The following is an entry in ClinVar:

NM_004820.5(CYP7B1):c.1091C>T (p.Ser364Leu)

Gene: CYP7B1 (cytochrome P450 family 7 subfamily B member 1; minus strand). Cytogenetic location: 8q12.3.
Variant type: single nucleotide variant.
Coding change: c.1091C>T on transcript NM_004820.5 (MANE Select); coding-DNA position 1091, C replaced by T.
Protein change: p.Ser364Leu; replaces serine 364 with leucine.
Molecular consequence: missense variant.
Genome position (GRCh38, 1-based): chr8:64,604,824, G>A on the plus strand (C>T on the coding strand, the complement: CYP7B1 is on the minus strand). VCF-style: chr8-64604824-G-A. GRCh37 (hg19) VCF-style: chr8-65517381-G-A.
Other names: c.1091C>T, p.Ser364Leu (NM_001324112.2); short protein forms S364L.
Identifiers: ClinVar variation 807591 (VCV000807591.7), dbSNP rs770065565, ClinGen allele CA371334291.

ClinVar aggregate classification (germline): Conflicting classifications of pathogenicity. Review status: criteria provided, conflicting classifications (1 of 4 stars). 2 submissions from 2 submitters: Pathogenic (1); Uncertain significance (1). Last evaluated 2023-03-01.

Conditions:
Spastic paraplegia. Identifiers: MedGen C0037772, HP:0001258.
Hereditary spastic paraplegia 5A (SPG5A). Also called: SPASTIC PARAPLEGIA 5A, AUTOSOMAL RECESSIVE. Identifiers: Orphanet 100986, MedGen C1849115, MONDO:0010047, OMIM 270800.

gnomAD v4.1: 1 of 1,614,146 alleles (0.000062%); highest among the groups gnomAD compares: Non-Finnish European, 0.000085%; no homozygotes.

Submissions (2):

Labcorp Genetics (formerly Invitae), Labcorp
Classification: Uncertain significance for Spastic paraplegia. Last evaluated: 2023-03-01. Review status: criteria provided, single submitter. Criteria: Invitae Variant Classification Sherloc (09022015). Collection method: clinical testing. Allele origin: germline.
Comment: Advanced modeling of protein sequence and biophysical properties (such as structural, functional, and spatial information, amino acid conservation, physicochemical variation, residue mobility, and thermodynamic stability) performed at Invitae indicates that this missense variant is not expected to disrupt CYP7B1 protein function. ClinVar contains an entry for this variant (Variation ID: 807591). This missense change has been observed in individual(s) with autosomal recessive hereditary spastic paraplegia (PMID: 31407473). This variant is not present in population databases (gnomAD no frequency). This sequence change replaces serine, which is neutral and polar, with leucine, which is neutral and non-polar, at codon 364 of the CYP7B1 protein (p.Ser364Leu). In summary, the available evidence is currently insufficient to determine the role of this variant in disease. Therefore, it has been classified as a Variant of Uncertain Significance.

Institute of Human Genetics Munich, TUM University Hospital
Classification: Pathogenic for Hereditary spastic paraplegia 5A. Last evaluated: 2019-06-07. Review status: criteria provided, single submitter. Criteria: Classification criteria August 2017. Collection method: clinical testing. Allele origin: germline. Inheritance: Autosomal recessive inheritance. Affected: yes. Observed: 1 compound heterozygote.

Literature cited by the submitters: PubMed 31407473 (cited by Labcorp Genetics (formerly Invitae), Labcorp).